The following is an entry in ClinVar:

NM_006767.4(LZTR1):c.988A>G (p.Ser330Gly)

Gene: LZTR1 (leucine zipper like post translational regulator 1; plus strand). Cytogenetic location: 22q11.21.
Variant type: single nucleotide variant.
Coding change: c.988A>G on transcript NM_006767.4 (MANE Select); coding-DNA position 988, A replaced by G.
Protein change: p.Ser330Gly; replaces serine 330 with glycine.
Molecular consequence: missense variant.
Genome position (GRCh38, 1-based): chr22:20,991,824, A>G. VCF-style: chr22-20991824-A-G. GRCh37 (hg19) VCF-style: chr22-21346113-A-G.
Other names: short protein forms S330G.
Identifiers: ClinVar variation 1020726 (VCV001020726.13), dbSNP rs777443417, ClinGen allele CA10118676.

ClinVar aggregate classification (germline): Uncertain significance. Review status: criteria provided, multiple submitters, no conflicts (2 of 4 stars). 5 submissions from 5 submitters: Uncertain significance (5). Last evaluated 2026-01-26.

Conditions:
LZTR1-related schwannomatosis. Also called: Schwannomatosis 2; Schwannomatosis-2, susceptibility to. Identifiers: Orphanet 93921, MedGen C3810283, MONDO:0014299, OMIM 615670.
Noonan syndrome 10 (NS10). Identifiers: Orphanet 648, MedGen C4225280, MONDO:0014693, OMIM 616564.
Hereditary cancer-predisposing syndrome. Also called: Tumor predisposition; Neoplastic Syndromes, Hereditary; Hereditary neoplastic syndrome; Hereditary Cancer Syndrome. Identifiers: Orphanet 140162, MedGen C0027672, MeSH D009386, MONDO:0015356.
Cardiovascular phenotype. Identifiers: MedGen CN230736.

Allele frequency attached by ClinVar (database versions not stated): gnomAD exomes 0.00001 and 0.00002; ExAC 0.00005; gnomAD 0.00005; TOPMed 0.00007.
gnomAD v4.1: 17 of 1,548,926 alleles (0.0011%); highest among the groups gnomAD compares: Middle Eastern, 0.017%; no homozygotes.

Submissions (5):

Labcorp Genetics (formerly Invitae), Labcorp
Classification: Uncertain significance. Last evaluated: 2026-01-26. Review status: criteria provided, single submitter. Criteria: Invitae Variant Classification Sherloc (09022015). Collection method: clinical testing. Allele origin: germline.
Comment: This sequence change replaces serine, which is neutral and polar, with glycine, which is neutral and non-polar, at codon 330 of the LZTR1 protein (p.Ser330Gly). This variant is present in population databases (rs777443417, gnomAD 0.03%). This variant has not been reported in the literature in individuals affected with LZTR1-related conditions. ClinVar contains an entry for this variant (Variation ID: 1020726). Invitae Evidence Modeling of protein sequence and biophysical properties (such as structural, functional, and spatial information, amino acid conservation, physicochemical variation, residue mobility, and thermodynamic stability) indicates that this missense variant is not expected to disrupt LZTR1 protein function with a negative predictive value of 80%. In summary, the available evidence is currently insufficient to determine the role of this variant in disease. Therefore, it has been classified as a Variant of Uncertain Significance.

Ambry Genetics
Classification: Uncertain significance for Cardiovascular phenotype; Hereditary cancer-predisposing syndrome. Last evaluated: 2024-06-28. Review status: criteria provided, single submitter. Criteria: Ambry Variant Classification Scheme 2023. Collection method: clinical testing. Allele origin: germline.
Comment: The p.S330G variant (also known as c.988A>G), located in coding exon 9 of the LZTR1 gene, results from an A to G substitution at nucleotide position 988. The serine at codon 330 is replaced by glycine, an amino acid with similar properties. This variant was reported in a fetus with hydrops fetalis and hydrothorax that resolved in the third trimester; the infant was later diagnosed with EEC3 due to a pathogenic TP63 mutation and did not meet clinical diagnostic criteria for Noonan syndrome (Hurni Y et al. Clin Case Rep, 2021 Aug;9:e04624). This amino acid position is highly conserved in available vertebrate species. In addition, this alteration is predicted to be tolerated by in silico analysis. Since supporting evidence is limited at this time, the clinical significance of this alteration remains unclear.

Baylor Genetics
Classification: Uncertain significance for LZTR1-related schwannomatosis. Last evaluated: 2024-03-20. Review status: criteria provided, single submitter. Criteria: ACMG Guidelines, 2015. Collection method: clinical testing. Allele origin: unknown.

GeneDx
Classification: Uncertain significance. Last evaluated: 2023-10-03. Review status: criteria provided, single submitter. Criteria: GeneDx Variant Classification Process June 2021. Collection method: clinical testing. Allele origin: germline. Affected: yes.
Comment: Not observed at significant frequency in large population cohorts (gnomAD); In silico analysis supports that this missense variant does not alter protein structure/function; Observed in a fetus with fetal hydrops and increased nuchal translucency, who also harbored a de novo pathogenic TP63 variant (Hurni et al., 2021; Marangoni et al., 2021); This variant is associated with the following publications: (PMID: 34906519, 34401172)

St. Jude Molecular Pathology, St. Jude Children's Research Hospital
Classification: Uncertain significance for Noonan syndrome 10. Last evaluated: 2023-08-18. Review status: criteria provided, single submitter. Criteria: St. Jude Assertion Criteria 2020. Collection method: clinical testing. Allele origin: germline.
Comment: The LZTR1 c.988A>G (p.Ser330Gly) missense change has a maximum frequency of 0.023% in gnomAD v2.1.1. The in silico tool REVEL predicts a benign effect on protein function, but to our knowledge this prediction has not been confirmed by functional studies. The infant was later diagnosed with ectrodactyly, ectodermal dysplasia, and cleft lip/palate syndrome 3 (EEC3) and did not meet the diagnostic criteria for Noonan syndrome or present with any cardiac abnormalities (PMID: 34401172, 34906519). In summary, the evidence currently available is insufficient to determine the clinical significance of this variant. It has therefore been classified as of uncertain significance.

Literature cited by the submitters: PubMed 34401172 (cited by Ambry Genetics).